The following is an entry in ClinVar:

ClinVar aggregate classification (germline): Uncertain significance. Review status: criteria provided, multiple submitters, no conflicts (2 of 4 stars). 3 submissions from 3 submitters: Uncertain significance (3). Last evaluated 2025-08-18.

Conditions:
LRP5-related disorder. Also called: LRP5-related condition.

Allele frequency attached by ClinVar (database versions not stated): gnomAD 0.00002; gnomAD exomes 0.00002 and 0.00004; TOPMed 0.00002; ExAC 0.00003.
gnomAD v4.1: 55 of 1,613,820 alleles (0.0034%); highest among the groups gnomAD compares: Non-Finnish European, 0.0042%; no homozygotes.

Submissions (3):

PreventionGenetics, part of Exact Sciences
Classification: Uncertain significance for LRP5-related condition. Last evaluated: 2025-08-18. Review status: criteria provided, single submitter. Criteria: ACMG Guidelines, 2015. Collection method: clinical testing. Allele origin: germline.
Comment: The LRP5 c.181G>A variant is predicted to result in the amino acid substitution p.Gly61Ser. To our knowledge, this variant has not been reported in the literature. This variant is reported in 0.0033% of alleles in individuals of South Asian descent in gnomAD. At this time, the clinical significance of this variant is uncertain due to the absence of conclusive functional and genetic evidence.

Labcorp Genetics (formerly Invitae), Labcorp
Classification: Uncertain significance. Last evaluated: 2025-04-17. Review status: criteria provided, single submitter. Criteria: Invitae Variant Classification Sherloc (09022015). Collection method: clinical testing. Allele origin: germline.
Comment: This sequence change replaces glycine, which is neutral and non-polar, with serine, which is neutral and polar, at codon 61 of the LRP5 protein (p.Gly61Ser). This variant is present in population databases (rs757930323, gnomAD 0.003%). This variant has not been reported in the literature in individuals affected with LRP5-related conditions. ClinVar contains an entry for this variant (Variation ID: 1024209). Invitae Evidence Modeling of protein sequence and biophysical properties (such as structural, functional, and spatial information, amino acid conservation, physicochemical variation, residue mobility, and thermodynamic stability) indicates that this missense variant is not expected to disrupt LRP5 protein function with a negative predictive value of 95%. In summary, the available evidence is currently insufficient to determine the role of this variant in disease. Therefore, it has been classified as a Variant of Uncertain Significance.

Blueprint Genetics
Classification: Uncertain significance. Last evaluated: 2024-06-19. Review status: criteria provided, single submitter. Criteria: ACMG Guidelines, 2015. Collection method: clinical testing. Allele origin: germline.

NM_002335.4(LRP5):c.181G>A (p.Gly61Ser)

Gene: LRP5 (LDL receptor related protein 5; plus strand). Cytogenetic location: 11q13.2.
Variant type: single nucleotide variant.
Coding change: c.181G>A on transcript NM_002335.4 (MANE Select); coding-DNA position 181, G replaced by A.
Protein change: p.Gly61Ser; replaces glycine 61 with serine.
Molecular consequence: missense variant. On other transcripts: 5 prime UTR variant (1).
Genome position (GRCh38, 1-based): chr11:68,347,936, G>A. VCF-style: chr11-68347936-G-A. GRCh37 (hg19) VCF-style: chr11-68115404-G-A.
Other names: c.-1585G>A (NM_001291902.2); c.181G>A (NM_002335.3); short protein forms G61S.
Identifiers: ClinVar variation 1024209 (VCV001024209.11), dbSNP rs757930323, ClinGen allele CA6148929.
Genomic context (GRCh38, chr11:68,347,936, plus strand): 5'-CGGGACGTACGGCTGGTGGACGCCGGCGGAGTCAAGCTGGAGTCCACCATCGTGGTCAGC[G>A]GCCTGGAGGATGCGGCCGCAGTGGACTTCCAGTTTTCCAAGGGAGCCGTGTACTGGACAG-3'
Protein context (NP_002326.2, residues 51-71): VKLESTIVVS[Gly61Ser]LEDAAAVDFQ